The following is an entry in ClinVar:

ClinVar aggregate classification (germline): Uncertain significance. Review status: reviewed by expert panel (3 of 4 stars). 4 submissions from 4 submitters: Uncertain significance (1). 3 of the submissions do not count toward it. Last evaluated 2025-06-10.

Conditions:
Metaphyseal chondrodysplasia, McKusick type (CHH). Also called: Cartilage-Hair Hypoplasia (CHH); Cartilage-hair hypoplasia. Identifiers: Orphanet 175, MedGen C0220748, MONDO:0009595, OMIM 250250.
Anauxetic dysplasia. Identifiers: Orphanet 93347, MedGen C1846796, MONDO:0011773.

Allele frequency attached by ClinVar (database versions not stated): gnomAD 0.00001.
gnomAD v4.1: 3 of 685,998 alleles (0.00044%); highest among the groups gnomAD compares: African/African-American, 0.0035%; no homozygotes.

Submissions (4):

ClinGen Severe Combined Immunodeficiency Variant Curation Expert Panel, ClinGen
Classification: Uncertain significance for Metaphyseal chondrodysplasia, McKusick type. Last evaluated: 2025-06-10. Review status: reviewed by expert panel. Criteria: ClinGen SCID ACMG Specifications RMRP V1.0.0. Collection method: curation. Allele origin: germline. Inheritance: Autosomal recessive inheritance.
Comment: This variant has been found in gnomAD v4 with an allele frequency of 0.000007990 in the African/ African American population. This variant is below the threshold that the SCID VCEP established to use PM2_Supporting (< 0.0000447). Therefore, this criterion is met: PM2_Supporting. At least one patient (P5, PMID: 16244706) has been described with this variant (also known as g.260C>G). The patient presented with metaphyseal dysplasia (+1.0), immune deficiency phenotype (+0.5), and hematological disease (+0.25), reaching a total of 1.75 points. Therefore PP4 is met at default strength. In summary, this variant is classified as uncertain significance - insufficient evidence for Autosomal Recessive Cartilage Hair Hypoplasia based on the ACMG/AMP criteria applied, as specified by the ClinGen SCID VCEP: PM2_Supporting, PP4 (SCID VCEP specifications version 1).

Labcorp Genetics (formerly Invitae), Labcorp
Classification: Uncertain significance for Anauxetic dysplasia. Last evaluated: 2022-07-16. Review status: criteria provided, single submitter. Criteria: Invitae Variant Classification Sherloc (09022015). Collection method: clinical testing. Allele origin: germline. Not counted in ClinVar's aggregate classification.
Comment: This variant occurs in the RMRP gene, which encodes an RNA molecule that does not result in a protein product. This variant is present in population databases (no rsID available, gnomAD 0.01%). This variant has been observed in individual(s) with cartilage-hair hypoplasia (PMID: 16244706). This variant is also known as g.260C>G. ClinVar contains an entry for this variant (Variation ID: 552081). Experimental studies and prediction algorithms are not available or were not evaluated, and the functional significance of this variant is currently unknown. In summary, the available evidence is currently insufficient to determine the role of this variant in disease. Therefore, it has been classified as a Variant of Uncertain Significance.

Natera, Inc.
Classification: Uncertain significance for Cartilage-hair hypoplasia. Last evaluated: 2020-10-20. Review status: no assertion criteria provided. Collection method: clinical testing. Allele origin: germline. Not counted in ClinVar's aggregate classification.

Counsyl
Classification: Uncertain significance for Metaphyseal chondrodysplasia, McKusick type. Last evaluated: 2017-05-26. Review status: no assertion criteria provided. Collection method: clinical testing. Allele origin: unknown. Not counted in ClinVar's aggregate classification.

Literature cited by the submitters: PubMed 16244706 (cited by Labcorp Genetics (formerly Invitae), Labcorp and Counsyl).

NR_003051.4(RMRP):n.263C>G

Gene: RMRP (RNA component of mitochondrial RNA processing endoribonuclease; minus strand). Cytogenetic location: 9p13.3.
Variant type: single nucleotide variant.
Genome position: GRCh38 VCF-style: chr9-35657757-G-C. GRCh37 (hg19) VCF-style: chr9-35657754-G-C.
Identifiers: ClinVar variation 552081 (VCV000552081.13), dbSNP rs533294975, ClinGen allele CA464450136.
Genomic context (GRCh38, chr9:35,657,757, plus strand): 5'-GCGTGAGCCCGGGGAGGTCGAGGCTGCAGTGAGCCGTGGTCTCGGGAACAAAAAACAGCC[G>C]CGCTGAGAATGAGCCCCGTGTGGTTGGTGCGCGGACACGCACTGCCTGCGTAACTAGAGG-3'